The following is an entry in ClinVar:

ClinVar aggregate classification (germline): Conflicting classifications of pathogenicity. Review status: criteria provided, conflicting classifications (1 of 4 stars). 4 submissions from 4 submitters: Uncertain significance (3); Likely benign (1). Last evaluated 2026-01-18.

Conditions:
Hereditary cancer-predisposing syndrome. Also called: Tumor predisposition; Hereditary neoplastic syndrome; Hereditary Cancer Syndrome; Neoplastic Syndromes, Hereditary. Identifiers: Orphanet 140162, MedGen C0027672, MeSH D009386, MONDO:0015356.

Allele frequency attached by ClinVar (database versions not stated): TOPMed 0.00001.
gnomAD v4.1: 37 of 1,613,874 alleles (0.0023%); highest among the groups gnomAD compares: Non-Finnish European, 0.0031%; no homozygotes.

Submissions (4):

Labcorp Genetics (formerly Invitae), Labcorp
Classification: Uncertain significance. Last evaluated: 2026-01-18. Review status: criteria provided, single submitter. Criteria: Invitae Variant Classification Sherloc (09022015). Collection method: clinical testing. Allele origin: germline.
Comment: This sequence change replaces histidine, which is basic and polar, with glutamine, which is neutral and polar, at codon 1492 of the POLE protein (p.His1492Gln). This variant is present in population databases (rs5744943, gnomAD 0.003%). This variant has not been reported in the literature in individuals affected with POLE-related conditions. ClinVar contains an entry for this variant (Variation ID: 240517). Invitae Evidence Modeling of protein sequence and biophysical properties (such as structural, functional, and spatial information, amino acid conservation, physicochemical variation, residue mobility, and thermodynamic stability) indicates that this missense variant is not expected to disrupt POLE protein function with a negative predictive value of 80%. In summary, the available evidence is currently insufficient to determine the role of this variant in disease. Therefore, it has been classified as a Variant of Uncertain Significance.

Ambry Genetics
Classification: Likely benign for Hereditary cancer-predisposing syndrome. Last evaluated: 2025-02-25. Review status: criteria provided, single submitter. Criteria: Ambry Variant Classification Scheme 2023. Collection method: clinical testing. Allele origin: germline.

GeneDx
Classification: Uncertain significance. Last evaluated: 2023-12-06. Review status: criteria provided, single submitter. Criteria: GeneDx Variant Classification Process June 2021. Collection method: clinical testing. Allele origin: germline.
Comment: Not observed at significant frequency in large population cohorts (gnomAD); In silico analysis supports that this missense variant has a deleterious effect on protein structure/function; Has not been previously published as pathogenic or benign to our knowledge

PreventionGenetics, part of Exact Sciences
Classification: Uncertain significance. Last evaluated: 2017-05-30. Review status: criteria provided, single submitter. Criteria: ACMG Guidelines, 2015. Collection method: clinical testing. Allele origin: germline.

NM_006231.4(POLE):c.4476C>A (p.His1492Gln)

Gene: POLE (DNA polymerase epsilon, catalytic subunit; minus strand). Cytogenetic location: 12q24.33.
Variant type: single nucleotide variant.
Coding change: c.4476C>A on transcript NM_006231.4 (MANE Select); coding-DNA position 4476, C replaced by A.
Protein change: p.His1492Gln; replaces histidine 1492 with glutamine.
Molecular consequence: missense variant.
Genome position (GRCh38, 1-based): chr12:132,643,299, G>T on the plus strand (C>A on the coding strand, the complement: POLE is on the minus strand). VCF-style: chr12-132643299-G-T. GRCh37 (hg19) VCF-style: chr12-133219885-G-T.
Other names: short protein forms H1492Q.
Identifiers: ClinVar variation 240517 (VCV000240517.16), dbSNP rs5744943, ClinGen allele CA6892830.
Genomic context (GRCh38, chr12:132,643,299, plus strand): 5'-GACGGATGCCCTGCGCTGTGAGGGGATGAAGATCCCGAAGAGCGCTTTGTGGGCCTGTGC[G>T]TGGTGGTACAGGTAGATATGGCGGATACTCCCTGGAGAAGGAAACAAGACCGTCACCCCA-3'
Protein context (NP_006222.2, residues 1482-1502): GSIRHIYLYH[His1492Gln]AQAHKALFGI